The following is an entry in ClinVar:

NM_000551.4(VHL):c.-38C>T

Gene: VHL (von Hippel-Lindau tumor suppressor; plus strand). Cytogenetic location: 3p25.3.
Variant type: single nucleotide variant.
Coding change: c.-38C>T on transcript NM_000551.4 (MANE Select); 38 bases upstream of the start codon, C replaced by T.
Molecular consequence: 5 prime UTR variant.
Genome position (GRCh38, 1-based): chr3:10,141,810, C>T. VCF-style: chr3-10141810-C-T. GRCh37 (hg19) VCF-style: chr3-10183494-C-T.
Other names: c.-38C>T (NM_001354723.2, NM_198156.3).
Identifiers: ClinVar variation 380659 (VCV000380659.1), dbSNP rs933174704, ClinGen allele CA16604330.

ClinVar aggregate classification (germline): Likely benign (1 of 4 stars; one submission).

Allele frequency attached by ClinVar (database versions not stated): TOPMed 0.00005 and 0.00003; gnomAD 0.00004.
gnomAD v4.1: 9 of 1,536,264 alleles (0.00059%); highest among the groups gnomAD compares: Admixed American, 0.014%; no homozygotes.

Submission:

GeneDx
Classification: Likely benign. Last evaluated: 2016-06-16. Review status: criteria provided, single submitter. Criteria: GeneDx Variant Classification (06012015). Collection method: clinical testing. Allele origin: germline. Affected: yes.
Comment: This variant is considered likely benign or benign based on one or more of the following criteria: it is a conservative change, it occurs at a poorly conserved position in the protein, it is predicted to be benign by multiple in silico algorithms, and/or has population frequency not consistent with disease.